The following is an entry in ClinVar:

NM_005609.4(PYGM):c.1629G>T (p.Lys543Asn)

Gene: PYGM (glycogen phosphorylase, muscle associated; minus strand). Cytogenetic location: 11q13.1.
Variant type: single nucleotide variant.
Coding change: c.1629G>T on transcript NM_005609.4 (MANE Select); coding-DNA position 1629, G replaced by T.
Protein change: p.Lys543Asn; replaces lysine 543 with asparagine.
Molecular consequence: missense variant.
Genome position (GRCh38, 1-based): chr11:64,752,063, C>A on the plus strand (G>T on the coding strand, the complement: PYGM is on the minus strand). VCF-style: chr11-64752063-C-A. GRCh37 (hg19) VCF-style: chr11-64519535-C-A.
Other names: c.1365G>T, p.Lys455Asn (NM_001164716.1); short protein forms K455N, K543N.
Identifiers: ClinVar variation 3339678 (VCV003339678.2).
Genomic context (GRCh38, chr11:64,752,063, plus strand): 5'-GAGTGAGTTGGGGTTGATGTGGACTTTGTATTCCCTCTCTAGGTAGGCAGCAAACTTCAA[C>A]TTGTTTTCCTGGAGGCAGAGACGGGGAAGGGCTCACCAACAGGCCACAGCCTCAGGAAAT-3'
Protein context (NP_005600.1, residues 533-553): RDVAKVKQEN[Lys543Asn]LKFAAYLERE

ClinVar aggregate classification (germline): Conflicting classifications of pathogenicity. Review status: criteria provided, conflicting classifications (1 of 4 stars). 2 submissions from 2 submitters: Likely pathogenic (1); Uncertain significance (1). Last evaluated 2024-06-12.

Conditions:
Glycogen storage disease, type V (GSD5). Also called: MUSCLE GLYCOGEN PHOSPHORYLASE DEFICIENCY; MYOPHOSPHORYLASE DEFICIENCY; PYGM DEFICIENCY; MCARDLE DISEASE; McArdle type glycogen storage disease. Identifiers: Orphanet 368, MedGen C0017924, MONDO:0009293, OMIM 232600.

Submissions (2):

Fulgent Genetics
Classification: Likely pathogenic for Glycogen storage disease, type V. Last evaluated: 2024-06-12. Review status: criteria provided, single submitter. Criteria: ACMG Guidelines, 2015. Collection method: clinical testing. Allele origin: germline.

Women's Health and Genetics/Laboratory Corporation of America, LabCorp
Classification: Uncertain significance. Last evaluated: 2024-06-07. Review status: criteria provided, single submitter. Criteria: LabCorp Variant Classification Summary - May 2015. Collection method: clinical testing. Allele origin: germline.
Comment: Variant summary: PYGM c.1629G>T (p.Lys543Asn) results in a non-conservative amino acid change in the encoded protein sequence. Five of five in-silico tools predict a damaging effect of the variant on protein function. The variant was absent in 251464 control chromosomes. The available data on variant occurrences in the general population are insufficient to allow any conclusion about variant significance. c.1629G>T has been reported in the literature in a compound heterozygous individual with a pathogenic variant affected with Glycogen Storage Disease, Type V (Gandhi_2021). These data do not allow any conclusion about variant significance. To our knowledge, no experimental evidence demonstrating an impact on protein function has been reported. The following publication have been ascertained in the context of this evaluation (PMID: 34215481). No submitters have cited clinical-significance assessments for this variant to ClinVar. Based on the evidence outlined above, the variant was classified as uncertain significance.

Literature cited by the submitters: PubMed 34215481 (cited by Women's Health and Genetics/Laboratory Corporation of America, LabCorp).